The following is an entry in ClinVar:

NM_001318895.3(FHL2):c.689G>T (p.Gly230Val)

Genes: C2orf49 (chromosome 2 open reading frame 49; plus strand), FHL2 (four and a half LIM domains 2; minus strand). Cytogenetic location: 2q12.2.
Variant type: single nucleotide variant.
Coding change: c.689G>T on transcript NM_001318895.3 (MANE Select); coding-DNA position 689, G replaced by T.
Protein change: p.Gly230Val; replaces glycine 230 with valine.
Molecular consequence: missense variant.
Genome position (GRCh38, 1-based): chr2:105,361,434, C>A on the plus strand (G>T on the coding strand, the complement: FHL2 is on the minus strand). VCF-style: chr2-105361434-C-A. GRCh37 (hg19) VCF-style: chr2-105977891-C-A.
Other names: c.689G>T, p.Gly230Val (NM_001039492.3, NM_001318894.1, NM_001318896.2 and 4 more transcripts); c.347G>T, p.Gly116Val (NM_001318897.2, NM_001318898.2); c.365G>T, p.Gly122Val (NM_001318899.2); short protein forms G122V, G230V, G116V.
Identifiers: ClinVar variation 4752029 (VCV004752029.1).

ClinVar aggregate classification (germline): Uncertain significance (1 of 4 stars; one submission).

Conditions:
Primary dilated cardiomyopathy (DCM). Also called: Dilated Cardiomyopathy. Identifiers: Orphanet 217604, MedGen C0007193, MeSH D002311, MONDO:0005021, HP:0001644. Inheritance: Various modes of inheritance.

gnomAD v4.1: 12 of 1,612,570 alleles (0.00074%); highest among the groups gnomAD compares: African/African-American, 0.012%; no homozygotes.

Submission:

Labcorp Genetics (formerly Invitae), Labcorp
Classification: Uncertain significance for Primary dilated cardiomyopathy. Last evaluated: 2025-08-29. Review status: criteria provided, single submitter. Criteria: Invitae Variant Classification Sherloc (09022015). Collection method: clinical testing. Allele origin: germline.
Comment: This sequence change replaces glycine, which is neutral and non-polar, with valine, which is neutral and non-polar, at codon 230 of the FHL2 protein (p.Gly230Val). This variant is present in population databases (rs568647217, gnomAD 0.02%). This variant has not been reported in the literature in individuals affected with FHL2-related conditions. An algorithm developed to predict the effect of missense changes on protein structure and function (PolyPhen-2) suggests that this variant is likely to be disruptive. In summary, the available evidence is currently insufficient to determine the role of this variant in disease. Therefore, it has been classified as a Variant of Uncertain Significance.